The following is an entry in ClinVar:

NM_003718.5(CDK13):c.909C>G (p.Asp303Glu)

Gene: CDK13 (cyclin dependent kinase 13; plus strand). Cytogenetic location: 7p14.1.
Variant type: single nucleotide variant.
Coding change: c.909C>G on transcript NM_003718.5 (MANE Select); coding-DNA position 909, C replaced by G.
Protein change: p.Asp303Glu; replaces aspartic acid 303 with glutamic acid.
Molecular consequence: missense variant.
Genome position (GRCh38, 1-based): chr7:39,951,550, C>G. VCF-style: chr7-39951550-C-G. GRCh37 (hg19) VCF-style: chr7-39991149-C-G.
Other names: c.909C>G (NM_003718.4); c.909C>G, p.Asp303Glu (NM_031267.4); short protein forms D303E.
Identifiers: ClinVar variation 2441685 (VCV002441685.6), dbSNP rs1236340055, ClinGen allele CA367310855.

ClinVar aggregate classification (germline): Uncertain significance. Review status: criteria provided, multiple submitters, no conflicts (2 of 4 stars). 4 submissions from 4 submitters: Uncertain significance (4). Last evaluated 2025-06-09.

Conditions:
Inborn genetic diseases. Identifiers: MedGen C0950123, MeSH D030342.
Congenital heart defects, dysmorphic facial features, and intellectual developmental disorder (CHDFIDD). Identifiers: Orphanet 646278, MedGen C4479246, MONDO:0044302, OMIM 617360.
CDK13-related disorder. Also called: CDK13-related condition. Identifiers: MedGen C5816700.

gnomAD v4.1: 11 of 1,538,396 alleles (0.00072%); highest among the groups gnomAD compares: East Asian, 0.01%; no homozygotes.

Submissions (4):

Labcorp Genetics (formerly Invitae), Labcorp
Classification: Uncertain significance. Last evaluated: 2025-06-09. Review status: criteria provided, single submitter. Criteria: Invitae Variant Classification Sherloc (09022015). Collection method: clinical testing. Allele origin: germline.
Comment: This sequence change replaces aspartic acid, which is acidic and polar, with glutamic acid, which is acidic and polar, at codon 303 of the CDK13 protein (p.Asp303Glu). The frequency data for this variant in the population databases is considered unreliable, as metrics indicate poor data quality at this position in the gnomAD database. This variant has not been reported in the literature in individuals affected with CDK13-related conditions. ClinVar contains an entry for this variant (Variation ID: 2441685). Invitae Evidence Modeling of protein sequence and biophysical properties (such as structural, functional, and spatial information, amino acid conservation, physicochemical variation, residue mobility, and thermodynamic stability) indicates that this missense variant is not expected to disrupt CDK13 protein function with a negative predictive value of 95%. In summary, the available evidence is currently insufficient to determine the role of this variant in disease. Therefore, it has been classified as a Variant of Uncertain Significance.

Ambry Genetics
Classification: Uncertain significance for Inborn genetic diseases. Last evaluated: 2025-04-12. Review status: criteria provided, single submitter. Criteria: Ambry Variant Classification Scheme 2023. Collection method: clinical testing. Allele origin: germline.

PreventionGenetics, part of Exact Sciences
Classification: Uncertain significance for CDK13-related condition. Last evaluated: 2023-04-20. Review status: criteria provided, single submitter. Criteria: ACMG Guidelines, 2015. Collection method: clinical testing. Allele origin: germline.
Comment: The CDK13 c.909C>G variant is predicted to result in the amino acid substitution p.Asp303Glu. To our knowledge, this variant has not been reported in the literature. This variant is reported in 0.0047% of alleles in individuals of Latino descent in gnomAD. Although we suspect that this variant may be benign, at this time, the clinical significance of this variant is uncertain due to the absence of conclusive functional and genetic evidence.

Baylor Genetics
Classification: Uncertain significance for Congenital heart defects, dysmorphic facial features, and intellectual developmental disorder. Last evaluated: 2022-09-10. Review status: criteria provided, single submitter. Criteria: ACMG Guidelines, 2015. Collection method: clinical testing. Allele origin: unknown.